The following is an entry in ClinVar:

ClinVar aggregate classification (germline): Uncertain significance (1 of 4 stars; one submission).

Allele frequency attached by ClinVar (database versions not stated): gnomAD exomes below 0.00001.

Submission:

Labcorp Genetics (formerly Invitae), Labcorp
Classification: Uncertain significance. Last evaluated: 2021-07-30. Review status: criteria provided, single submitter. Criteria: Invitae Variant Classification Sherloc (09022015). Collection method: clinical testing. Allele origin: germline.
Comment: This sequence change replaces valine with methionine at codon 44 of the LOXHD1 protein (p.Val44Met). The valine residue is weakly conserved and there is a small physicochemical difference between valine and methionine. This variant also falls at the last nucleotide of exon 1, which is part of the consensus splice site for this exon. This variant is not present in population databases (ExAC no frequency). This variant has not been reported in the literature in individuals affected with LOXHD1-related conditions. Algorithms developed to predict the effect of missense changes on protein structure and function are either unavailable or do not agree on the potential impact of this missense change (SIFT: "Deleterious"; PolyPhen-2: "Not Available"; Align-GVGD: "Class C0"). Nucleotide substitutions within the consensus splice site are a relatively common cause of aberrant splicing (PMID: 17576681, 9536098). Algorithms developed to predict the effect of sequence changes on RNA splicing suggest that this variant may disrupt the consensus splice site. In summary, the available evidence is currently insufficient to determine the role of this variant in disease. Therefore, it has been classified as a Variant of Uncertain Significance.

Literature cited by the submitters: PubMed 17576681; PubMed 9536098.

NM_001384474.1(LOXHD1):c.130G>A (p.Val44Met)

Gene: LOXHD1 (lipoxygenase homology PLAT domains 1; minus strand). Cytogenetic location: 18q21.1.
Variant type: single nucleotide variant.
Coding change: c.130G>A on transcript NM_001384474.1 (MANE Select); coding-DNA position 130, G replaced by A.
Protein change: p.Val44Met; replaces valine 44 with methionine.
Molecular consequence: missense variant.
Genome position (GRCh38, 1-based): chr18:46,656,904, C>T on the plus strand (G>A on the coding strand, the complement: LOXHD1 is on the minus strand). VCF-style: chr18-46656904-C-T. GRCh37 (hg19) VCF-style: chr18-44236867-C-T.
Other names: c.130G>A, p.Val44Met (NM_144612.7); short protein forms V44M.
Identifiers: ClinVar variation 1406580 (VCV001406580.3), dbSNP rs2144417839, ClinGen allele CA402374233.